The following is an entry in ClinVar:

NM_003024.3(ITSN1):c.2582C>T (p.Thr861Met)

Gene: ITSN1 (intersectin 1; plus strand). Cytogenetic location: 21q22.11.
Variant type: single nucleotide variant.
Coding change: c.2582C>T on transcript NM_003024.3 (MANE Select); coding-DNA position 2582, C replaced by T.
Protein change: p.Thr861Met; replaces threonine 861 with methionine.
Molecular consequence: missense variant.
Genome position (GRCh38, 1-based): chr21:33,813,927, C>T. VCF-style: chr21-33813927-C-T. GRCh37 (hg19) VCF-style: chr21-35186231-C-T.
Other names: c.2582C>T, p.Thr861Met (NM_001001132.2, NM_001331008.2); c.2567C>T, p.Thr856Met (NM_001331009.2, NM_001331010.2, NM_001331011.2); c.2456C>T, p.Thr819Met (NM_001331012.2); short protein forms T819M, T856M, T861M.
Identifiers: ClinVar variation 3054638 (VCV003054638.3), dbSNP rs781452040, ClinGen allele CA10011871.

ClinVar aggregate classification (germline): Likely benign. Review status: criteria provided, single submitter (1 of 4 stars). 2 submissions from 2 submitters: Likely benign (1). 1 of the submissions does not count toward it. Last evaluated 2025-04-13.

Conditions:
Inborn genetic diseases. Identifiers: MedGen C0950123, MeSH D030342.
ITSN1-related disorder. Also called: ITSN1-related condition.

Allele frequency attached by ClinVar (database versions not stated): ExAC 0.00002; gnomAD exomes 0.00004; gnomAD 0.00001.
gnomAD v4.1: 61 of 1,613,374 alleles (0.0038%); highest among the groups gnomAD compares: Middle Eastern, 0.066%; no homozygotes.

Submissions (2):

Ambry Genetics
Classification: Likely benign for Inborn genetic diseases. Last evaluated: 2025-04-13. Review status: criteria provided, single submitter. Criteria: Ambry Variant Classification Scheme 2023. Collection method: clinical testing. Allele origin: germline.

PreventionGenetics, part of Exact Sciences
Classification: Uncertain significance for ITSN1-related condition. Last evaluated: 2023-12-29. Review status: no assertion criteria provided. Collection method: clinical testing. Allele origin: germline. Not counted in ClinVar's aggregate classification.
Comment: The ITSN1 c.2582C>T variant is predicted to result in the amino acid substitution p.Thr861Met. To our knowledge, this variant has not been reported in the literature. This variant is reported in 0.010% of alleles in individuals of East Asian descent in gnomAD. At this time, the clinical significance of this variant is uncertain due to the absence of conclusive functional and genetic evidence.